The following is an entry in ClinVar:

ClinVar aggregate classification (germline): Conflicting classifications of pathogenicity. Review status: criteria provided, conflicting classifications (1 of 4 stars). 4 submissions from 4 submitters: Uncertain significance (1); Likely benign (1). 2 of the submissions do not count toward it. Last evaluated 2026-02-01.

Conditions:
SMARCAL1-related disorder. Also called: SMARCAL1-related condition.
Schimke immuno-osseous dysplasia (SIOD). Also called: Schimke Immunoosseous Dysplasia. Identifiers: Orphanet 1830, MedGen C0877024, MONDO:0009458, OMIM 242900.

Allele frequency attached by ClinVar (database versions not stated): ESP Exome Variant Server 0.00023; 1000 Genomes Project 30x 0.00031; gnomAD exomes 0.00033 and 0.00046; gnomAD 0.00035 and 0.00037; 1000 Genomes Project 0.00040; TOPMed 0.00042; ExAC 0.00048.
gnomAD v4.1: 528 of 1,614,232 alleles (0.033%); highest among the groups gnomAD compares: East Asian, 0.19%; no homozygotes.

Submissions (4):

Labcorp Genetics (formerly Invitae), Labcorp
Classification: Likely benign for Schimke immuno-osseous dysplasia. Last evaluated: 2026-02-01. Review status: criteria provided, single submitter. Criteria: Invitae Variant Classification Sherloc (09022015). Collection method: clinical testing. Allele origin: germline.

Illumina Laboratory Services, Illumina
Classification: Uncertain significance for Schimke immuno-osseous dysplasia. Last evaluated: 2018-01-12. Review status: criteria provided, single submitter. Criteria: ICSL Variant Classification Criteria 13 December 2019. Collection method: clinical testing. Allele origin: germline.

PreventionGenetics, part of Exact Sciences
Classification: Likely benign for SMARCAL1-related condition. Last evaluated: 2021-04-28. Review status: no assertion criteria provided. Collection method: clinical testing. Allele origin: germline. Not counted in ClinVar's aggregate classification.
Comment: This variant is classified as likely benign based on ACMG/AMP sequence variant interpretation guidelines (Richards et al. 2015 PMID: 25741868, with internal and published modifications).

Natera, Inc.
Classification: Likely benign for Schimke immuno-osseous dysplasia. Last evaluated: 2020-09-16. Review status: no assertion criteria provided. Collection method: clinical testing. Allele origin: germline. Not counted in ClinVar's aggregate classification.

NM_014140.4(SMARCAL1):c.2641A>C (p.Lys881Gln)

Gene: SMARCAL1 (SNF2 related chromatin remodeling annealing helicase 1; plus strand). Cytogenetic location: 2q35.
Variant type: single nucleotide variant.
Coding change: c.2641A>C on transcript NM_014140.4 (MANE Select); coding-DNA position 2641, A replaced by C.
Protein change: p.Lys881Gln; replaces lysine 881 with glutamine.
Molecular consequence: missense variant.
Genome position (GRCh38, 1-based): chr2:216,482,753, A>C. VCF-style: chr2-216482753-A-C. GRCh37 (hg19) VCF-style: chr2-217347476-A-C.
Other names: c.2641A>C, p.Lys881Gln (NM_001127207.2); short protein forms K881Q.
Identifiers: ClinVar variation 532007 (VCV000532007.19), dbSNP rs190386780, ClinGen allele CA2098275.